The following is an entry in ClinVar:

NM_173728.4(ARHGEF15):c.1972C>T (p.Arg658Cys)

Gene: ARHGEF15 (Rho guanine nucleotide exchange factor 15; plus strand). Cytogenetic location: 17p13.1.
Variant type: single nucleotide variant.
Coding change: c.1972C>T on transcript NM_173728.4 (MANE Select); coding-DNA position 1972, C replaced by T.
Protein change: p.Arg658Cys; replaces arginine 658 with cysteine.
Molecular consequence: missense variant.
Genome position (GRCh38, 1-based): chr17:8,318,849, C>T. VCF-style: chr17-8318849-C-T. GRCh37 (hg19) VCF-style: chr17-8222167-C-T.
Other names: c.1972C>T, p.Arg658Cys (NM_025014.2); short protein forms R658C.
Identifiers: ClinVar variation 578795 (VCV000578795.11), dbSNP rs771609829, ClinGen allele CA8375376.

ClinVar aggregate classification (germline): Uncertain significance (1 of 4 stars; one submission).

Conditions:
Early-infantile DEE. Also called: Early infantile epileptic encephalopathy with suppression bursts; Early infantile epileptic encephalopathy; Ohtahara syndrome. Identifiers: Orphanet 1934, MedGen C0393706, MONDO:0800491.

Allele frequency attached by ClinVar (database versions not stated): gnomAD exomes 0.00001; ExAC 0.00002; TOPMed 0.00002; gnomAD 0.00003.
gnomAD v4.1: 17 of 1,613,320 alleles (0.0011%); highest among the groups gnomAD compares: Admixed American, 0.005%; no homozygotes.

Submission:

Labcorp Genetics (formerly Invitae), Labcorp
Classification: Uncertain significance for Early-infantile DEE. Last evaluated: 2025-10-13. Review status: criteria provided, single submitter. Criteria: Invitae Variant Classification Sherloc (09022015). Collection method: clinical testing. Allele origin: germline.
Comment: This sequence change replaces arginine, which is basic and polar, with cysteine, which is neutral and slightly polar, at codon 658 of the ARHGEF15 protein (p.Arg658Cys). This variant is present in population databases (rs771609829, gnomAD 0.003%). This variant has not been reported in the literature in individuals affected with ARHGEF15-related conditions. ClinVar contains an entry for this variant (Variation ID: 578795). An algorithm developed to predict the effect of missense changes on protein structure and function (PolyPhen-2) suggests that this variant is likely to be disruptive. In summary, the available evidence is currently insufficient to determine the role of this variant in disease. Therefore, it has been classified as a Variant of Uncertain Significance.